The following is an entry in ClinVar:

NM_003722.5(TP63):c.361G>A (p.Asp121Asn)

Gene: TP63 (tumor protein p63; plus strand). Cytogenetic location: 3q28.
Variant type: single nucleotide variant.
Coding change: c.361G>A on transcript NM_003722.5 (MANE Select); coding-DNA position 361, G replaced by A.
Protein change: p.Asp121Asn; replaces aspartic acid 121 with asparagine.
Molecular consequence: missense variant. On other transcripts: intron variant (2).
Genome position (GRCh38, 1-based): chr3:189,808,308, G>A. VCF-style: chr3-189808308-G-A. GRCh37 (hg19) VCF-style: chr3-189526097-G-A.
Other names: c.361G>A, p.Asp121Asn (NM_001114978.2, NM_001114979.2, NM_001329144.2 and 1 more transcripts); c.79G>A, p.Asp27Asn (NM_001114980.2, NM_001114981.2, NM_001114982.2 and 2 more transcripts); c.355G>A, p.Asp119Asn (NM_001329964.2); c.42+18466G>A (NM_001329146.2, NM_001329150.2); short protein forms D119N, D121N, D27N.
Identifiers: ClinVar variation 2629289 (VCV002629289.1), dbSNP rs111466227, ClinGen allele CA2752117.

ClinVar aggregate classification (germline): Uncertain significance (1 of 4 stars; one submission).

Conditions:
TP63-related disorder. Also called: TP63-related condition; TP63-Related Disorders. Identifiers: MedGen CN380159.

Allele frequency attached by ClinVar (database versions not stated): ExAC 0.00002.
gnomAD v4.1: 2 of 1,614,178 alleles (0.00012%); highest among the groups gnomAD compares: Non-Finnish European, 0.00017%; no homozygotes.

Submission:

PreventionGenetics, part of Exact Sciences
Classification: Uncertain significance for TP63-related condition. Last evaluated: 2023-07-18. Review status: criteria provided, single submitter. Criteria: ACMG Guidelines, 2015. Collection method: clinical testing. Allele origin: germline.
Comment: The TP63 c.361G>A variant is predicted to result in the amino acid substitution p.Asp121Asn. To our knowledge, this variant has not been reported in the literature. This variant is reported in 0.00088% of alleles in individuals of European (Non-Finnish) descent in gnomAD. At this time, the clinical significance of this variant is uncertain due to the absence of conclusive functional and genetic evidence.